The following is an entry in ClinVar:

NM_001005361.3(DNM2):c.800A>G (p.His267Arg)

Gene: DNM2 (dynamin 2; plus strand). Cytogenetic location: 19p13.2.
Variant type: single nucleotide variant.
Coding change: c.800A>G on transcript NM_001005361.3 (MANE Select); coding-DNA position 800, A replaced by G.
Protein change: p.His267Arg; replaces histidine 267 with arginine.
Molecular consequence: missense variant.
Genome position (GRCh38, 1-based): chr19:10,783,071, A>G. VCF-style: chr19-10783071-A-G. GRCh37 (hg19) VCF-style: chr19-10893747-A-G.
Other names: c.800A>G, p.His267Arg (NM_001005360.3, NM_001005362.3, NM_001190716.2 and 1 more transcripts); short protein forms H267R.
Identifiers: ClinVar variation 578383 (VCV000578383.7), dbSNP rs1412618988, ClinGen allele CA404045325.

ClinVar aggregate classification (germline): Uncertain significance. Review status: criteria provided, multiple submitters, no conflicts (2 of 4 stars). 2 submissions from 2 submitters: Uncertain significance (2). Last evaluated 2025-06-29.

Conditions:
Inborn genetic diseases. Identifiers: MedGen C0950123, MeSH D030342.
Charcot-Marie-Tooth disease dominant intermediate B (CMTDIB). Also called: CHARCOT-MARIE-TOOTH NEUROPATHY, DOMINANT INTERMEDIATE B; Charcot-Marie-Tooth disease dominant intermediate 1; CMT DI1; Charcot-Marie-Tooth disease dominant intermediate I. Identifiers: Orphanet 100044, Orphanet 228179, MedGen C1847902, MONDO:0011674, OMIM 606482.

Allele frequency attached by ClinVar (database versions not stated): TOPMed below 0.00001; gnomAD 0.00001.
gnomAD v4.1: 1 of 1,613,766 alleles (0.000062%); highest among the groups gnomAD compares: Middle Eastern, 0.016%; no homozygotes.

Submissions (2):

Ambry Genetics
Classification: Uncertain significance for Inborn genetic diseases. Last evaluated: 2025-06-29. Review status: criteria provided, single submitter. Criteria: Ambry Variant Classification Scheme 2023. Collection method: clinical testing. Allele origin: germline.

Labcorp Genetics (formerly Invitae), Labcorp
Classification: Uncertain significance for Charcot-Marie-Tooth disease dominant intermediate B. Last evaluated: 2022-12-31. Review status: criteria provided, single submitter. Criteria: Invitae Variant Classification Sherloc (09022015). Collection method: clinical testing. Allele origin: germline.
Comment: This missense change has been observed in at least one individual who was not affected with DNM2-related conditions (Invitae). This variant has not been reported in the literature in individuals affected with DNM2-related conditions. This variant is not present in population databases (gnomAD no frequency). This sequence change replaces histidine, which is basic and polar, with arginine, which is basic and polar, at codon 267 of the DNM2 protein (p.His267Arg). ClinVar contains an entry for this variant (Variation ID: 578383). In summary, the available evidence is currently insufficient to determine the role of this variant in disease. Therefore, it has been classified as a Variant of Uncertain Significance. Advanced modeling of protein sequence and biophysical properties (such as structural, functional, and spatial information, amino acid conservation, physicochemical variation, residue mobility, and thermodynamic stability) has been performed at Invitae for this missense variant, however the output from this modeling did not meet the statistical confidence thresholds required to predict the impact of this variant on DNM2 protein function.